The following is an entry in ClinVar:

ClinVar aggregate classification (germline): Benign/Likely benign. Review status: criteria provided, multiple submitters, no conflicts (2 of 4 stars). 5 submissions from 4 submitters: Benign (2); Likely benign (3). Last evaluated 2026-01-05.

Conditions:
Adams-Oliver syndrome 5 (AOS5). Identifiers: Orphanet 974, MedGen C4014970, MONDO:0014459, OMIM 616028.
Familial thoracic aortic aneurysm and aortic dissection (TAAD). Also called: Thoracic aortic aneurysms and dissections. Identifiers: Orphanet 91387, MedGen C4707243, MONDO:0019625.
Aortic valve disease 1 (AOVD1). Identifiers: MedGen C3887892, MONDO:0024523, OMIM 109730.

Allele frequency attached by ClinVar (database versions not stated): ExAC 0.00001; gnomAD exomes 0.00001; gnomAD 0.00006 and 0.00007; TOPMed 0.00009.

Submissions (5):

Labcorp Genetics (formerly Invitae), Labcorp
Classification: Likely benign for Adams-Oliver syndrome 5. Last evaluated: 2026-01-05. Review status: criteria provided, single submitter. Criteria: Invitae Variant Classification Sherloc (09022015). Collection method: clinical testing. Allele origin: germline.

Ambry Genetics
Classification: Likely benign for Familial thoracic aortic aneurysm and aortic dissection. Last evaluated: 2022-04-03. Review status: criteria provided, single submitter. Criteria: Ambry Variant Classification Scheme 2023. Collection method: clinical testing. Allele origin: germline.

Genome-Nilou Lab
Classification: Benign for Adams-Oliver syndrome 5. Last evaluated: 2022-03-15. Review status: criteria provided, single submitter. Criteria: ACMG Guidelines, 2015. Collection method: clinical testing. Allele origin: germline. Affected: no.

Genome-Nilou Lab
Classification: Benign for Aortic valve disease 1. Last evaluated: 2022-03-15. Review status: criteria provided, single submitter. Criteria: ACMG Guidelines, 2015. Collection method: clinical testing. Allele origin: germline. Affected: no.

GeneDx
Classification: Likely benign. Last evaluated: 2017-11-29. Review status: criteria provided, single submitter. Criteria: GeneDx Variant Classification (06012015). Collection method: clinical testing. Allele origin: germline. Affected: yes.
Comment: This variant is considered likely benign or benign based on one or more of the following criteria: it is a conservative change, it occurs at a poorly conserved position in the protein, it is predicted to be benign by multiple in silico algorithms, and/or has population frequency not consistent with disease.

NM_017617.5(NOTCH1):c.3270C>T (p.Thr1090=)

Gene: NOTCH1 (notch receptor 1; minus strand). Cytogenetic location: 9q34.3.
Variant type: single nucleotide variant.
Coding change: c.3270C>T on transcript NM_017617.5 (MANE Select); coding-DNA position 3270, C replaced by T.
Protein change: p.Thr1090=; no amino-acid change (threonine 1090 retained).
Molecular consequence: synonymous variant.
Genome position (GRCh38, 1-based): chr9:136,508,287, G>A on the plus strand (C>T on the coding strand, the complement: NOTCH1 is on the minus strand). VCF-style: chr9-136508287-G-A. GRCh37 (hg19) VCF-style: chr9-139402739-G-A.
Other names: c.3270C>T, p.Thr1090= (LRG_1122t1).
Identifiers: ClinVar variation 477912 (VCV000477912.13), dbSNP rs773990513, ClinGen allele CA5341000.